The following is an entry in ClinVar:

ClinVar aggregate classification (germline): Uncertain significance (1 of 4 stars; one submission).

Conditions:
Cardiovascular phenotype. Identifiers: MedGen CN230736.

Submission:

Ambry Genetics
Classification: Uncertain significance for Cardiovascular phenotype. Last evaluated: 2026-07-22. Review status: criteria provided, single submitter. Criteria: Ambry Variant Classification Scheme 2023. Collection method: clinical testing. Allele origin: germline.
Comment: The p.M532I variant (also known as c.1596G>A), located in coding exon 13 of the MYH6 gene, results from a G to A substitution at nucleotide position 1596. The methionine at codon 532 is replaced by isoleucine, an amino acid with highly similar properties. This amino acid position is well conserved in available vertebrate species. In addition, this alteration is predicted to be tolerated by in silico analysis. Based on the available evidence, the clinical significance of this variant remains unclear.

NM_002471.4(MYH6):c.1596G>A (p.Met532Ile)

Gene: MYH6 (myosin heavy chain 6; minus strand). Cytogenetic location: 14q11.2.
Variant type: single nucleotide variant.
Coding change: c.1596G>A on transcript NM_002471.4 (MANE Select); coding-DNA position 1596, G replaced by A.
Protein change: p.Met532Ile; replaces methionine 532 with isoleucine.
Molecular consequence: missense variant.
Genome position (GRCh38, 1-based): chr14:23,399,023, C>T on the plus strand (G>A on the coding strand, the complement: MYH6 is on the minus strand). VCF-style: chr14-23399023-C-T. GRCh37 (hg19) VCF-style: chr14-23868232-C-T.
Other names: short protein forms M532I.
Identifiers: ClinVar variation 5025127 (VCV005025127.1).